The following is an entry in ClinVar:

NM_000218.3(KCNQ1):c.1926C>G (p.Cys642Trp)

Genes: KCNQ1 (potassium voltage-gated channel subfamily Q member 1; plus strand), KCNQ1-AS1 (KCNQ1 antisense RNA 1; minus strand). Cytogenetic location: 11p15.4.
Variant type: single nucleotide variant.
Coding change: c.1926C>G on transcript NM_000218.3 (MANE Select); coding-DNA position 1926, C replaced by G.
Protein change: p.Cys642Trp; replaces cysteine 642 with tryptophan.
Molecular consequence: missense variant.
Genome position (GRCh38, 1-based): chr11:2,847,898, C>G. VCF-style: chr11-2847898-C-G. GRCh37 (hg19) VCF-style: chr11-2869128-C-G.
Other names: c.1830C>G, p.Cys610Trp (NM_001406836.1); c.1656C>G, p.Cys552Trp (NM_001406837.1); c.1386C>G, p.Cys462Trp (NM_001406838.1); c.438C>G, p.Cys146Trp (NM_001406839.1); c.1545C>G, p.Cys515Trp (NM_181798.2); short protein forms C515W, C642W, C146W, C462W, C610W, C552W.
Identifiers: ClinVar variation 228766 (VCV000228766.6), dbSNP rs12720454, ClinGen allele CA10576880.

ClinVar aggregate classification (germline): Uncertain significance. Review status: criteria provided, multiple submitters, no conflicts (2 of 4 stars). 2 submissions from 2 submitters: Uncertain significance (2). Last evaluated 2024-07-15.

Conditions:
Cardiovascular phenotype. Identifiers: MedGen CN230736.

Submissions (2):

Ambry Genetics
Classification: Uncertain significance for Cardiovascular phenotype. Last evaluated: 2024-07-15. Review status: criteria provided, single submitter. Criteria: Ambry Variant Classification Scheme 2023. Collection method: clinical testing. Allele origin: germline.
Comment: The p.C642W variant (also known as c.1926C>G), located in coding exon 16 of the KCNQ1 gene, results from a C to G substitution at nucleotide position 1926. The cysteine at codon 642 is replaced by tryptophan, an amino acid with highly dissimilar properties. This amino acid position is not well conserved in available vertebrate species. In addition, the in silico prediction for this alteration is inconclusive. Based on the available evidence, the clinical significance of this variant remains unclear.

Laboratory for Molecular Medicine, Mass General Brigham Personalized Medicine
Classification: Uncertain significance. Last evaluated: 2016-02-23. Review status: criteria provided, single submitter. Criteria: LMM Criteria. Collection method: clinical testing. Allele origin: germline. Observed: 1 variant allele.
Comment: The p.Cys642Trp variant in KCNQ1 has not been previously reported in individuals with Jervell and Lange-Nielsen syndrome. Data from large population studies is insufficient to assess the frequency of this variant. Computational prediction t ools and conservation analyses suggest that the p.Cys642Trp variant may not impa ct the protein, though this information is not predictive enough to rule out pat hogenicity. In summary, the clinical significance of the p.Cys642Trp variant is uncertain.